The following is an entry in ClinVar:

NM_006904.7(PRKDC):c.133A>C (p.Ser45Arg)

Genes: PRKDC (protein kinase, DNA-activated, catalytic subunit; minus strand), LOC130000337 (ATAC-STARR-seq lymphoblastoid silent region 19176; plus strand). Cytogenetic location: 8q11.21.
Variant type: single nucleotide variant.
Coding change: c.133A>C on transcript NM_006904.7 (MANE Select); coding-DNA position 133, A replaced by C.
Protein change: p.Ser45Arg; replaces serine 45 with arginine.
Molecular consequence: missense variant.
Genome position (GRCh38, 1-based): chr8:47,959,994, T>G on the plus strand (A>C on the coding strand, the complement: PRKDC is on the minus strand). VCF-style: chr8-47959994-T-G. GRCh37 (hg19) VCF-style: chr8-48872554-T-G.
Other names: c.133A>C, p.Ser45Arg (NM_001081640.2); short protein forms S45R.
Identifiers: ClinVar variation 1770311 (VCV001770311.2), dbSNP rs2551882718, ClinGen allele CA371142655.
Genomic context (GRCh38, chr8:47,959,994, plus strand): 5'-CCAGGACCCACCCGCGGCCCAGCTCGGGCCGGTACCCACCCAGCACCGCGGGGCTGCTGC[T>G]CAGGACGCATTCCTGCCCCAGGCCGCGGATCAGTTGATGACCGGCCAGGGCAGCACCGCA-3'
Protein context (NP_008835.5, residues 35-55): IRGLGQECVL[Ser45Arg]SSPAVLALQT

ClinVar aggregate classification (germline): Uncertain significance (1 of 4 stars; one submission).

Submission:

Ambry Genetics
Classification: Uncertain significance. Last evaluated: 2021-12-10. Review status: criteria provided, single submitter. Criteria: Ambry Variant Classification Scheme 2023. Collection method: clinical testing. Allele origin: germline.
Comment: The p.S45R variant (also known as c.133A>C), located in coding exon 1 of the PRKDC gene, results from an A to C substitution at nucleotide position 133. The serine at codon 45 is replaced by arginine, an amino acid with dissimilar properties. This amino acid position is conserved. In addition, this alteration is predicted to be tolerated by in silico analysis. Since supporting evidence is limited at this time, the clinical significance of this alteration remains unclear.